The following is an entry in ClinVar:

ClinVar aggregate classification (germline): Uncertain significance (1 of 4 stars; one submission).

Conditions:
Ehlers-Danlos syndrome, classic type, 1 (EDSCL1). Also called: EHLERS-DANLOS SYNDROME, GRAVIS TYPE; EHLERS-DANLOS SYNDROME, SEVERE CLASSIC TYPE; Ehlers-Danlos syndrome, type 1; Ehlers-Danlos Syndrome, Classic Type, COL5A1-Related; EDS I. Identifiers: MedGen C0268335, MONDO:0019567, OMIM 130000.
Osteogenesis imperfecta type I (OI1). Also called: OI, TYPE I; OSTEOGENESIS IMPERFECTA TARDA; OSTEOGENESIS IMPERFECTA WITH BLUE SCLERAE; Osteogenesis imperfecta type 1; Lobstein's Disease; Lobstein disease. Identifiers: Orphanet 216796, Orphanet 666, MedGen C0023931, MONDO:0008146, OMIM 166200. Disease mechanism: loss of function.

gnomAD v4.1: 1 of 1,614,070 alleles (0.000062%); highest among the groups gnomAD compares: South Asian, 0.0011%; no homozygotes.

Submission:

Labcorp Genetics (formerly Invitae), Labcorp
Classification: Uncertain significance for Osteogenesis imperfecta type I; Ehlers-Danlos syndrome, classic type, 1. Last evaluated: 2026-01-19. Review status: criteria provided, single submitter. Criteria: Invitae Variant Classification Sherloc (09022015). Collection method: clinical testing. Allele origin: germline.
Comment: This sequence change replaces leucine, which is neutral and non-polar, with proline, which is neutral and non-polar, at codon 1150 of the COL1A2 protein (p.Leu1150Pro). This variant is not present in population databases (gnomAD no frequency). This variant has not been reported in the literature in individuals affected with COL1A2-related conditions. Invitae Evidence Modeling of protein sequence and biophysical properties (such as structural, functional, and spatial information, amino acid conservation, physicochemical variation, residue mobility, and thermodynamic stability) indicates that this missense variant is expected to disrupt COL1A2 protein function with a positive predictive value of 95%. In summary, the available evidence is currently insufficient to determine the role of this variant in disease. Therefore, it has been classified as a Variant of Uncertain Significance.

NM_000089.4(COL1A2):c.3449T>C (p.Leu1150Pro)

Gene: COL1A2 (collagen type I alpha 2 chain; plus strand). Cytogenetic location: 7q21.3.
Variant type: single nucleotide variant.
Coding change: c.3449T>C on transcript NM_000089.4 (MANE Select); coding-DNA position 3449, T replaced by C.
Protein change: p.Leu1150Pro; replaces leucine 1150 with proline.
Molecular consequence: missense variant.
Genome position (GRCh38, 1-based): chr7:94,427,808, T>C. VCF-style: chr7-94427808-T-C. GRCh37 (hg19) VCF-style: chr7-94057120-T-C.
Other names: short protein forms L1150P.
Identifiers: ClinVar variation 4794806 (VCV004794806.1).